The following is an entry in ClinVar:

ClinVar aggregate classification (germline): Uncertain significance. Review status: criteria provided, multiple submitters, no conflicts (2 of 4 stars). 2 submissions from 2 submitters: Uncertain significance (2). Last evaluated 2023-03-06.

Conditions:
Hereditary cancer-predisposing syndrome. Also called: Neoplastic Syndromes, Hereditary; Tumor predisposition; Hereditary neoplastic syndrome; Hereditary Cancer Syndrome. Identifiers: Orphanet 140162, MedGen C0027672, MeSH D009386, MONDO:0015356.
Familial meningioma. Also called: Meningioma, familial, susceptibility to. Identifiers: Orphanet 263662, MedGen C3551915, MONDO:0011789, OMIM 607174.

Submissions (2):

Labcorp Genetics (formerly Invitae), Labcorp
Classification: Uncertain significance for Familial meningioma. Last evaluated: 2023-03-06. Review status: criteria provided, single submitter. Criteria: Invitae Variant Classification Sherloc (09022015). Collection method: clinical testing. Allele origin: germline.
Comment: This variant is not present in population databases (gnomAD no frequency). This sequence change replaces valine, which is neutral and non-polar, with alanine, which is neutral and non-polar, at codon 278 of the SMARCE1 protein (p.Val278Ala). This variant has not been reported in the literature in individuals affected with SMARCE1-related conditions. ClinVar contains an entry for this variant (Variation ID: 1372734). Advanced modeling of protein sequence and biophysical properties (such as structural, functional, and spatial information, amino acid conservation, physicochemical variation, residue mobility, and thermodynamic stability) performed at Invitae indicates that this missense variant is expected to disrupt SMARCE1 protein function. In summary, the available evidence is currently insufficient to determine the role of this variant in disease. Therefore, it has been classified as a Variant of Uncertain Significance.

Ambry Genetics
Classification: Uncertain significance for Hereditary cancer-predisposing syndrome. Last evaluated: 2022-06-10. Review status: criteria provided, single submitter. Criteria: Ambry Variant Classification Scheme 2023. Collection method: clinical testing. Allele origin: germline.
Comment: The p.V278A variant (also known as c.833T>C), located in coding exon 9 of the SMARCE1 gene, results from a T to C substitution at nucleotide position 833. The valine at codon 278 is replaced by alanine, an amino acid with similar properties. This amino acid position is highly conserved in available vertebrate species. In addition, the in silico prediction for this alteration is inconclusive. Missense and in-frame variants in SMARCE1 are known to cause neurodevelopmental disorders; however, such associations with increased risk of meningiomas are exceedingly rare (Kosho T et al. Am J Med Genet C Semin Med Genet. 2014 Sep;166C(3):262-75; Smith JM et al. Nat Genet. 2013 Mar;45(3):295-8). Based on the supporting evidence, the association of this alteration with Coffin-Siris syndrome is unknown; however, the association of this alteration with an increased risk of meningiomas is unlikely.

NM_003079.5(SMARCE1):c.833T>C (p.Val278Ala)

Gene: SMARCE1 (SWI/SNF related BAF chromatin remodeling complex subunit E1; minus strand). Cytogenetic location: 17q21.2.
Variant type: single nucleotide variant.
Coding change: c.833T>C on transcript NM_003079.5 (MANE Select); coding-DNA position 833, T replaced by C.
Protein change: p.Val278Ala; replaces valine 278 with alanine.
Molecular consequence: missense variant.
Genome position (GRCh38, 1-based): chr17:40,630,908, A>G on the plus strand (T>C on the coding strand, the complement: SMARCE1 is on the minus strand). VCF-style: chr17-40630908-A-G. GRCh37 (hg19) VCF-style: chr17-38787160-A-G.
Other names: short protein forms V278A.
Identifiers: ClinVar variation 1372734 (VCV001372734.10), dbSNP rs2143985196, ClinGen allele CA399363948.
Genomic context (GRCh38, chr17:40,630,908, plus strand): 5'-TTGCGGGCCTGTTCCTCTGCCTGTGCAATCTCAGCTGCAATTTTCTCCATATCCACTTCT[A>G]CTTTCAGACCGCACAACTAATCAGAAAAAAACAGAACTCCGTAATGTTTTTTCCTTATAA-3'
Protein context (NP_003070.3, residues 268-288): NELKRLCGLK[Val278Ala]EVDMEKIAAE